The following is an entry in ClinVar:

NM_002180.3(IGHMBP2):c.2569G>A (p.Gly857Arg)

Gene: IGHMBP2 (immunoglobulin mu DNA binding protein 2; plus strand). Cytogenetic location: 11q13.3.
Variant type: single nucleotide variant.
Coding change: c.2569G>A on transcript NM_002180.3 (MANE Select); coding-DNA position 2569, G replaced by A.
Protein change: p.Gly857Arg; replaces glycine 857 with arginine.
Molecular consequence: missense variant.
Genome position (GRCh38, 1-based): chr11:68,937,049, G>A. VCF-style: chr11-68937049-G-A. GRCh37 (hg19) VCF-style: chr11-68704517-G-A.
Other names: short protein forms G857R.
Identifiers: ClinVar variation 1683817 (VCV001683817.3), dbSNP rs1376066801, ClinGen allele CA381654018.

ClinVar aggregate classification (germline): Uncertain significance. Review status: criteria provided, multiple submitters, no conflicts (2 of 4 stars). 2 submissions from 2 submitters: Uncertain significance (2). Last evaluated 2025-08-30.

Conditions:
Inborn genetic diseases. Identifiers: MedGen C0950123, MeSH D030342.

Allele frequency attached by ClinVar (database versions not stated): TOPMed below 0.00001.

Submissions (2):

Ambry Genetics
Classification: Uncertain significance for Inborn genetic diseases. Last evaluated: 2025-08-30. Review status: criteria provided, single submitter. Criteria: Ambry Variant Classification Scheme 2023. Collection method: clinical testing. Allele origin: germline.

GeneDx
Classification: Uncertain significance. Last evaluated: 2022-04-15. Review status: criteria provided, single submitter. Criteria: GeneDx Variant Classification Process June 2021. Collection method: clinical testing. Allele origin: germline. Affected: yes.
Comment: Not observed at significant frequency in large population cohorts (gnomAD); In silico analysis supports that this missense variant does not alter protein structure/function; Has not been previously published as pathogenic or benign to our knowledge